The following is an entry in ClinVar:

NM_031308.4(EPPK1):c.6645del (p.Val2216fs)

Gene: EPPK1 (epiplakin 1; minus strand). Cytogenetic location: 8q24.3.
Variant type: Deletion.
Coding change: c.6645del on transcript NM_031308.4 (MANE Select); coding-DNA position 6645, one base deleted (C; older notation c.6645delC).
Protein change: p.Val2216fs; shifts the reading frame from valine 2216.
Molecular consequence: frameshift variant.
Genome position (GRCh38, 1-based): chr8:143,866,609, G deleted on the plus strand (C on the coding strand, the reverse complement: EPPK1 is on the minus strand). VCF-style (leftmost placement, unchanged base first): chr8-143866608-CG-C. GRCh37 (hg19) VCF-style: chr8-144940776-CG-C.
Other names: short protein forms V2216fs.
Identifiers: ClinVar variation 3035520 (VCV003035520.2), dbSNP rs782254546, ClinGen allele CA4921608.
Genomic context (GRCh38, chr8:143,866,608, plus strand): 5'-GGTCCTTGGCGGGCACCAGGACGCCCGCGATGCAGCTGGTGCCCTCCAGGTAGCGCTTGA[CG>C]CGGTCGTCCTCCATGAGCTCTTGCGTCGTGCTCCGTCCCGTTTCCAGGTCCTGGAGCATT-3'

ClinVar aggregate classification (germline): Benign (0 of 4 stars; one submission).

Conditions:
EPPK1-related disorder. Also called: EPPK1-related condition.

Allele frequency attached by ClinVar (database versions not stated): ExAC 0.11386.

Submission:

PreventionGenetics, part of Exact Sciences
Classification: Benign for EPPK1-related condition. Last evaluated: 2021-04-14. Review status: no assertion criteria provided. Collection method: clinical testing. Allele origin: germline.
Comment: This variant is classified as benign based on ACMG/AMP sequence variant interpretation guidelines (Richards et al. 2015 PMID: 25741868, with internal and published modifications).